The following is an entry in ClinVar:

ClinVar aggregate classification (germline): Pathogenic (1 of 4 stars; one submission).

Conditions:
Ulnar-mammary syndrome (UMS). Also called: Ulnar-mammary syndrome of Pallister; SCHINZEL SYNDROME; PALLISTER ULNAR-MAMMARY SYNDROME. Identifiers: Orphanet 3138, MedGen C1866994, MONDO:0008411, OMIM 181450.

Submission:

Victorian Clinical Genetics Services, Murdoch Childrens Research Institute
Classification: Pathogenic for Ulnar-mammary syndrome. Last evaluated: 2026-06-30. Review status: criteria provided, single submitter. Criteria: ACMG Guidelines, 2015. Collection method: clinical testing. Allele origin: germline. Affected: yes.
Comment: This variant is classified as Pathogenic. Evidence in support of pathogenic classification: This variant is predicted to cause nonsense-mediated decay (NMD) and loss of protein (premature termination codon is located at least 54 nucleotides upstream of the final exon-exon junction); This variant is absent from gnomAD v4; Other variants comparable to the one identified in this case have very strong previous evidence for pathogenicity (DECIPHER). Additional information: This variant is heterozygous; This gene is associated with autosomal dominant disease; This variant has no previous evidence of pathogenicity; No published evidence of segregation with disease has been identified for this variant; No published functional evidence has been identified for this variant; Loss of function is a known mechanism of disease in this gene and is associated with ulnar-mammary syndrome (MIM#181450); Variants in this gene are known to have variable expressivity. Intrafamilial and interfamilial variability have both been reported (PMID: 28145909, 39788453).

Literature cited by the submitters: PubMed 28145909; PubMed 39788453.

NM_005996.4(TBX3):c.164C>A (p.Ser55Ter)

Genes: TBX3 (T-box transcription factor 3; minus strand), TBX3-AS1 (TBX3 antisense RNA 1; plus strand). Cytogenetic location: 12q24.21.
Variant type: single nucleotide variant.
Coding change: c.164C>A on transcript NM_005996.4 (MANE Select); coding-DNA position 164, C replaced by A.
Protein change: p.Ser55Ter; replaces serine 55 with a stop codon.
Molecular consequence: nonsense.
Genome position (GRCh38, 1-based): chr12:114,683,037, G>T on the plus strand (C>A on the coding strand, the complement: TBX3 is on the minus strand). VCF-style: chr12-114683037-G-T. GRCh37 (hg19) VCF-style: chr12-115120842-G-T.
Other names: c.164C>A, p.Ser55Ter (NM_016569.4); short protein forms S55*.
Identifiers: ClinVar variation 4879799 (VCV004879799.1).